The following is an entry in ClinVar:

ClinVar aggregate classification (germline): Likely benign. Review status: criteria provided, single submitter (1 of 4 stars). 2 submissions from 2 submitters: Likely benign (1). 1 of the submissions does not count toward it. Last evaluated 2024-12-29.

Conditions:
HMCN1-related disorder. Also called: HMCN1-related condition.

Allele frequency attached by ClinVar (database versions not stated): ExAC 0.00005; gnomAD exomes 0.00005 and 0.00001; gnomAD 0.00017 and 0.00022; TOPMed 0.00019; ESP Exome Variant Server 0.00023.
gnomAD v4.1: 46 of 1,608,986 alleles (0.0029%); highest among the groups gnomAD compares: African/African-American, 0.053%; 1 homozygote.

Submissions (2):

Labcorp Genetics (formerly Invitae), Labcorp
Classification: Likely benign. Last evaluated: 2024-12-29. Review status: criteria provided, single submitter. Criteria: Invitae Variant Classification Sherloc (09022015). Collection method: clinical testing. Allele origin: germline.

PreventionGenetics, part of Exact Sciences
Classification: Likely benign for HMCN1-related condition. Last evaluated: 2019-06-07. Review status: no assertion criteria provided. Collection method: clinical testing. Allele origin: germline. Not counted in ClinVar's aggregate classification.
Comment: This variant is classified as likely benign based on ACMG/AMP sequence variant interpretation guidelines (Richards et al. 2015 PMID: 25741868, with internal and published modifications).

NM_031935.3(HMCN1):c.1224T>C (p.Tyr408=)

Gene: HMCN1 (hemicentin 1; plus strand). Cytogenetic location: 1q31.1.
Variant type: single nucleotide variant.
Coding change: c.1224T>C on transcript NM_031935.3 (MANE Select); coding-DNA position 1224, T replaced by C.
Protein change: p.Tyr408=; no amino-acid change (tyrosine 408 retained).
Molecular consequence: synonymous variant.
Genome position (GRCh38, 1-based): chr1:185,923,592, T>C. VCF-style: chr1-185923592-T-C. GRCh37 (hg19) VCF-style: chr1-185892724-T-C.
Other names: c.1224T>C (NM_031935.2).
Identifiers: ClinVar variation 1624067 (VCV001624067.11), dbSNP rs373089927, ClinGen allele CA1291054.